The following is an entry in ClinVar:

ClinVar aggregate classification (germline): Uncertain significance (1 of 4 stars; one submission).

Conditions:
Myoclonic dystonia 26. Identifiers: MedGen C4225341, MONDO:0014620, OMIM 616398.

Submission:

Labcorp Genetics (formerly Invitae), Labcorp
Classification: Uncertain significance for Myoclonic dystonia 26. Last evaluated: 2024-05-08. Review status: criteria provided, single submitter. Criteria: Invitae Variant Classification Sherloc (09022015). Collection method: clinical testing. Allele origin: germline.
Comment: This sequence change replaces alanine, which is neutral and non-polar, with threonine, which is neutral and polar, at codon 267 of the KCTD17 protein (p.Ala267Thr). This variant is present in population databases (no rsID available, gnomAD 0.006%). This variant has not been reported in the literature in individuals affected with KCTD17-related conditions. An algorithm developed to predict the effect of missense changes on protein structure and function (PolyPhen-2) suggests that this variant is likely to be tolerated. In summary, the available evidence is currently insufficient to determine the role of this variant in disease. Therefore, it has been classified as a Variant of Uncertain Significance.

NM_001282684.2(KCTD17):c.778G>A (p.Ala260Thr)

Gene: KCTD17 (potassium channel tetramerization domain containing 17; plus strand). Cytogenetic location: 22q12.3.
Variant type: single nucleotide variant.
Coding change: c.778G>A on transcript NM_001282684.2 (MANE Select); coding-DNA position 778, G replaced by A.
Protein change: p.Ala260Thr; replaces alanine 260 with threonine.
Molecular consequence: missense variant. On other transcripts: intron variant (3).
Genome position (GRCh38, 1-based): chr22:37,061,169, G>A. VCF-style: chr22-37061169-G-A. GRCh37 (hg19) VCF-style: chr22-37457209-G-A.
Other names: c.712+247G>A (NM_024681.4); c.613-370G>A (NM_001282685.2); c.613-1356G>A (NM_001282686.2); short protein forms A260T.
Identifiers: ClinVar variation 3634630 (VCV003634630.2).